The following is an entry in ClinVar:

NM_003183.6(ADAM17):c.1467_1468del (p.Cys489_Asp490delinsTer)

Genes: ADAM17 (ADAM metallopeptidase domain 17; minus strand), IAH1 (isoamyl acetate hydrolyzing esterase 1 (putative); plus strand). Cytogenetic location: 2p25.1.
Variant type: Microsatellite.
Coding change: c.1467_1468del on transcript NM_003183.6 (MANE Select); coding-DNA positions 1467 to 1468, 2 bases deleted (TG; older notation c.1467_1468delTG).
Protein change: p.Cys489_Asp490delinsTer.
Molecular consequence: nonsense.
Genome position (GRCh38, 1-based): chr2:9,505,242-9,505,243, CA deleted on the plus strand (TG on the coding strand, the reverse complement: ADAM17 is on the minus strand); deleting any 2 consecutive bases within chr2:9,505,242-9,505,246 gives the same sequence; the c. name uses the placement nearest the transcript's 3' end. VCF-style (leftmost placement, unchanged base first): chr2-9505241-TCA-T. GRCh37 (hg19) VCF-style: chr2-9645370-TCA-T.
Other names: c.807_808del, p.Cys269_Asp270delinsTer (NM_001382777.1); c.570_571del, p.Cys190_Asp191delinsTer (NM_001382778.1).
Identifiers: ClinVar variation 1452811 (VCV001452811.6), dbSNP rs2124999155, ClinGen allele CA2580611591.
Genomic context (GRCh38, chr2:9,505,241, plus strand): 5'-TCCTTCAACGTGCAGTCGCTGTTGCAGCAGGTGTCGTTGTTCAGATACATGATGCCAGGA[TCA>T]CACTCTTCTCCTTCATCCACCCTCGAGTTCCCACAAACTTTATTGCTGCGTTCTTGAAAA-3'

ClinVar aggregate classification (germline): Pathogenic (1 of 4 stars; one submission).

Conditions:
Inflammatory skin and bowel disease, neonatal, 1. Identifiers: Orphanet 294023, MedGen C3280501, MONDO:0013693, OMIM 614328.

Submission:

Labcorp Genetics (formerly Invitae), Labcorp
Classification: Pathogenic for Inflammatory skin and bowel disease, neonatal, 1. Last evaluated: 2021-08-19. Review status: criteria provided, single submitter. Criteria: Invitae Variant Classification Sherloc (09022015). Collection method: clinical testing. Allele origin: germline.
Comment: This variant is not present in population databases (ExAC no frequency). For these reasons, this variant has been classified as Pathogenic. This variant has not been reported in the literature in individuals with ADAM17-related conditions. This sequence change creates a premature translational stop signal (p.Cys489*) in the ADAM17 gene. It is expected to result in an absent or disrupted protein product. Loss-of-function variants in ADAM17 are known to be pathogenic (PMID: 22010916, 25804906).

Literature cited by the submitters: PubMed 22010916; PubMed 25804906.